The following is an entry in ClinVar:

ClinVar aggregate classification (germline): Uncertain significance (1 of 4 stars; one submission).

Conditions:
Early-infantile DEE. Also called: Ohtahara syndrome; Early infantile epileptic encephalopathy with suppression bursts; Early infantile epileptic encephalopathy. Identifiers: Orphanet 1934, MedGen C0393706, MONDO:0800491.

gnomAD v4.1: 3 of 1,614,128 alleles (0.00019%); highest among the groups gnomAD compares: South Asian, 0.0011%; no homozygotes.

Submission:

Labcorp Genetics (formerly Invitae), Labcorp
Classification: Uncertain significance for Early-infantile DEE. Last evaluated: 2021-03-25. Review status: criteria provided, single submitter. Criteria: Invitae Variant Classification Sherloc (09022015). Collection method: clinical testing. Allele origin: germline.
Comment: This sequence change replaces arginine with proline at codon 535 of the SCN1A protein (p.Arg535Pro). The arginine residue is highly conserved and there is a moderate physicochemical difference between arginine and proline. In summary, the available evidence is currently insufficient to determine the role of this variant in disease. Therefore, it has been classified as a Variant of Uncertain Significance. Algorithms developed to predict the effect of missense changes on protein structure and function output the following: SIFT: "Deleterious"; PolyPhen-2: "Probably Damaging"; Align-GVGD: "Class C0". The proline amino acid residue is found in multiple mammalian species, suggesting that this missense change does not adversely affect protein function. These predictions have not been confirmed by published functional studies and their clinical significance is uncertain. This variant has not been reported in the literature in individuals with SCN1A-related conditions. This variant is not present in population databases (ExAC no frequency).

NM_001165963.4(SCN1A):c.1604G>C (p.Arg535Pro)

Gene: SCN1A (sodium voltage-gated channel alpha subunit 1; minus strand). Cytogenetic location: 2q24.3.
Variant type: single nucleotide variant.
Coding change: c.1604G>C on transcript NM_001165963.4 (MANE Select); coding-DNA position 1604, G replaced by C.
Protein change: p.Arg535Pro; replaces arginine 535 with proline.
Molecular consequence: missense variant. On other transcripts: 5 prime UTR variant (1), non-coding transcript variant (1).
Genome position (GRCh38, 1-based): chr2:166,045,101, C>G on the plus strand (G>C on the coding strand, the complement: SCN1A is on the minus strand). VCF-style: chr2-166045101-C-G. GRCh37 (hg19) VCF-style: chr2-166901611-C-G.
Other names: c.1604G>C, p.Arg535Pro (NM_001165964.3, NM_001202435.3, NM_001353948.2 and 7 more transcripts); c.1601G>C, p.Arg534Pro (NM_001353954.2, NM_001353955.2, NM_001353960.2); c.-822G>C (NM_001353961.2); short protein forms R534P, R535P.
Identifiers: ClinVar variation 1424588 (VCV001424588.9), dbSNP rs184524479, ClinGen allele CA349069190.